The following is an entry in ClinVar:

NM_004415.4(DSP):c.8423T>C (p.Val2808Ala)

Gene: DSP (desmoplakin; plus strand). Cytogenetic location: 6p24.3.
Variant type: single nucleotide variant.
Coding change: c.8423T>C on transcript NM_004415.4 (MANE Select); coding-DNA position 8423, T replaced by C.
Protein change: p.Val2808Ala; replaces valine 2808 with alanine.
Molecular consequence: missense variant.
Genome position (GRCh38, 1-based): chr6:7,585,685, T>C. VCF-style: chr6-7585685-T-C. GRCh37 (hg19) VCF-style: chr6-7585918-T-C.
Other names: c.6626T>C, p.Val2209Ala (NM_001008844.3); c.7094T>C, p.Val2365Ala (NM_001319034.2); short protein forms V2808A, V2209A, V2365A.
Identifiers: ClinVar variation 4614055 (VCV004614055.1).

ClinVar aggregate classification (germline): Uncertain significance (1 of 4 stars; one submission).

Conditions:
Cardiovascular phenotype. Identifiers: MedGen CN230736.

Submission:

Ambry Genetics
Classification: Uncertain significance for Cardiovascular phenotype. Last evaluated: 2025-12-11. Review status: criteria provided, single submitter. Criteria: Ambry Variant Classification Scheme 2023. Collection method: clinical testing. Allele origin: germline.
Comment: The p.V2808A variant (also known as c.8423T>C), located in coding exon 24 of the DSP gene, results from a T to C substitution at nucleotide position 8423. The valine at codon 2808 is replaced by alanine, an amino acid with similar properties. This amino acid position is conserved. In addition, this alteration is predicted to be tolerated by in silico analysis. Based on the available evidence, the clinical significance of this variant remains unclear.